The following is an entry in ClinVar:

ClinVar aggregate classification (germline): Uncertain significance. Review status: criteria provided, multiple submitters, no conflicts (2 of 4 stars). 2 submissions from 2 submitters: Uncertain significance (2). Last evaluated 2025-06-14.

Conditions:
Hereditary cancer-predisposing syndrome. Also called: Tumor predisposition; Hereditary Cancer Syndrome; Hereditary neoplastic syndrome; Neoplastic Syndromes, Hereditary. Identifiers: Orphanet 140162, MedGen C0027672, MeSH D009386, MONDO:0015356.
Familial adenomatous polyposis 1 (FAP1). Also called: POLYPOSIS, ADENOMATOUS INTESTINAL; FAMILIAL ADENOMATOUS POLYPOSIS 1, ATTENUATED. Identifiers: MedGen C2713442, MONDO:0021056, OMIM 175100. Disease mechanism: loss of function.

Submissions (2):

Ambry Genetics
Classification: Uncertain significance for Hereditary cancer-predisposing syndrome. Last evaluated: 2025-06-14. Review status: criteria provided, single submitter. Criteria: Ambry Variant Classification Scheme 2023. Collection method: clinical testing. Allele origin: germline.
Comment: The p.E2208G variant (also known as c.6623A>G), located in coding exon 15 of the APC gene, results from an A to G substitution at nucleotide position 6623. The glutamic acid at codon 2208 is replaced by glycine, an amino acid with similar properties. This amino acid position is well conserved in available vertebrate species. In addition, in silico predictors for this gene do not accurately predict pathogenicity. Missense alterations in APC are not a common cause of disease (Spier I et al. Genet Med. 2024 Feb;26(2):100992). Based on the available evidence, the clinical significance of this variant remains unclear.

Labcorp Genetics (formerly Invitae), Labcorp
Classification: Uncertain significance for Familial adenomatous polyposis 1. Last evaluated: 2022-05-14. Review status: criteria provided, single submitter. Criteria: Invitae Variant Classification Sherloc (09022015). Collection method: clinical testing. Allele origin: germline.
Comment: In summary, the available evidence is currently insufficient to determine the role of this variant in disease. Therefore, it has been classified as a Variant of Uncertain Significance. Algorithms developed to predict the effect of missense changes on protein structure and function are either unavailable or do not agree on the potential impact of this missense change (SIFT: "Tolerated"; PolyPhen-2: "Possibly Damaging"; Align-GVGD: "Class C0"). This variant has not been reported in the literature in individuals affected with APC-related conditions. This variant is not present in population databases (gnomAD no frequency). This sequence change replaces glutamic acid, which is acidic and polar, with glycine, which is neutral and non-polar, at codon 2208 of the APC protein (p.Glu2208Gly).

NM_000038.6(APC):c.6623A>G (p.Glu2208Gly)

Gene: APC (APC regulator of Wnt signaling pathway; plus strand). Cytogenetic location: 5q22.2.
Variant type: single nucleotide variant.
Coding change: c.6623A>G on transcript NM_000038.6 (MANE Select); coding-DNA position 6623, A replaced by G.
Protein change: p.Glu2208Gly; replaces glutamic acid 2208 with glycine.
Molecular consequence: missense variant.
Genome position (GRCh38, 1-based): chr5:112,842,217, A>G. VCF-style: chr5-112842217-A-G. GRCh37 (hg19) VCF-style: chr5-112177914-A-G.
Other names: c.6623A>G (NM_000038.5); c.6623A>G, p.Glu2208Gly (NM_001127510.3, NM_001354895.2, NM_001407450.1); c.6569A>G, p.Glu2190Gly (NM_001127511.3); c.6677A>G, p.Glu2226Gly (NM_001354896.2, NM_001407447.1, NM_001407448.1 and 1 more transcripts); c.6653A>G, p.Glu2218Gly (NM_001354897.2); c.6548A>G, p.Glu2183Gly (NM_001354898.2); c.6539A>G, p.Glu2180Gly (NM_001354899.2); c.6500A>G, p.Glu2167Gly (NM_001354900.2); and 12 more; short protein forms E1824G, E2107G, E2117G, E2198G, E2208G, E2236G, E2079G, E2167G.
Identifiers: ClinVar variation 1994373 (VCV001994373.5), dbSNP rs777612081, ClinGen allele CA16035817.
Genomic context (GRCh38, chr5:112,842,217, plus strand): 5'-TCAAAGGAGGAAAAAAAGTTTATAAAAGTTTGATTACTGGAAAAGTTCGATCTAATTCAG[A>G]AATTTCAGGCCAAATGAAACAGCCCCTTCAAGCAAACATGCCTTCAATCTCTCGAGGCAG-3'
Protein context (NP_000029.2, residues 2198-2218): LITGKVRSNS[Glu2208Gly]ISGQMKQPLQ